The following is an entry in ClinVar:

NM_201384.3(PLEC):c.5281C>T (p.Arg1761Trp)

Gene: PLEC (plectin; minus strand). Cytogenetic location: 8q24.3.
Variant type: single nucleotide variant.
Coding change: c.5281C>T on transcript NM_201384.3 (MANE Select); coding-DNA position 5281, C replaced by T.
Protein change: p.Arg1761Trp; replaces arginine 1761 with tryptophan.
Molecular consequence: missense variant.
Genome position (GRCh38, 1-based): chr8:143,924,648, G>A on the plus strand (C>T on the coding strand, the complement: PLEC is on the minus strand). VCF-style: chr8-143924648-G-A. GRCh37 (hg19) VCF-style: chr8-144998816-G-A.
Other names: c.5362C>T (NM_000445.3, NM_000445.4); c.5362C>T, p.Arg1788Trp (NM_000445.5); c.5239C>T, p.Arg1747Trp (NM_201378.4); c.5215C>T, p.Arg1739Trp (NM_201379.3); c.5692C>T, p.Arg1898Trp (NM_201380.4); c.5185C>T, p.Arg1729Trp (NM_201381.3); c.5281C>T, p.Arg1761Trp (NM_201382.4); c.5293C>T, p.Arg1765Trp (NM_201383.3); short protein forms R1729W, R1761W, R1765W, R1788W, R1739W, R1898W, R1747W.
Identifiers: ClinVar variation 2053590 (VCV002053590.8), dbSNP rs1286234284, ClinGen allele CA372546554.

ClinVar aggregate classification (germline): Uncertain significance. Review status: criteria provided, multiple submitters, no conflicts (2 of 4 stars). 3 submissions from 3 submitters: Uncertain significance (3). Last evaluated 2026-05-06.

Conditions:
PLEC-related disorder. Also called: PLEC-related condition; PLEC-related disorders.
Epidermolysis bullosa simplex, Ogna type (EBS5A). Also called: EPIDERMOLYSIS BULLOSA SIMPLEX 5A, OGNA TYPE; Pidermolysis bullosa simplex 5A, Ogna type. Identifiers: Orphanet 79401, MedGen C0432317, MONDO:0007555, OMIM 131950.
Epidermolysis bullosa simplex 5C, with pyloric atresia (EBS5C). Also called: PLEC1-Related Epidermolysis Bullosa with Pyloric Atresia; PLEC-Related Epidermolysis Bullosa with Pyloric Atresia; Epidermolysis bullosa simplex with pyloric atresia. Identifiers: Orphanet 158684, MedGen C2677349, MONDO:0012807, OMIM 612138.
Autosomal recessive limb-girdle muscular dystrophy type 2Q (LGMDR17). Also called: MUSCULAR DYSTROPHY, LIMB-GIRDLE, AUTOSOMAL RECESSIVE 17. Identifiers: Orphanet 254361, MedGen C3150989, MONDO:0013390, OMIM 613723.
Epidermolysis bullosa simplex 5B, with muscular dystrophy (EBS5B). Also called: EPIDERMOLYSIS BULLOSA SIMPLEX AND LIMB-GIRDLE MUSCULAR DYSTROPHY; Epidermolysis bullosa simplex with muscular dystrophy. Identifiers: Orphanet 257, MedGen C2931072, MONDO:0009181, OMIM 226670.
Epidermolysis bullosa simplex with nail dystrophy (EBS5D). Identifiers: MedGen C4225309, MONDO:0014661, OMIM 616487.

Allele frequency attached by ClinVar (database versions not stated): gnomAD 0.00001.
gnomAD v4.1: 20 of 1,537,162 alleles (0.0013%); highest among the groups gnomAD compares: Non-Finnish European, 0.0016%; no homozygotes.

Submissions (3):

PreventionGenetics, part of Exact Sciences
Classification: Uncertain significance for PLEC-related condition. Last evaluated: 2026-05-06. Review status: criteria provided, single submitter. Criteria: ACMG Guidelines, 2015. Collection method: clinical testing. Allele origin: germline.
Comment: The PLEC c.5362C>T variant is predicted to result in the amino acid substitution p.Arg1788Trp. To our knowledge, this variant has not been reported in the literature. This variant is reported in 0.0059% of alleles in individuals of European (Non-Finnish) descent in gnomAD. At this time, the clinical significance of this variant is uncertain due to the absence of conclusive functional and genetic evidence.

Labcorp Genetics (formerly Invitae), Labcorp
Classification: Uncertain significance for Autosomal recessive limb-girdle muscular dystrophy type 2Q; Epidermolysis bullosa simplex, Ogna type; Epidermolysis bullosa simplex with nail dystrophy; Epidermolysis bullosa simplex 5C, with pyloric atresia; Epidermolysis bullosa simplex 5B, with muscular dystrophy. Last evaluated: 2026-01-12. Review status: criteria provided, single submitter. Criteria: Invitae Variant Classification Sherloc (09022015). Collection method: clinical testing. Allele origin: germline.
Comment: This sequence change replaces arginine, which is basic and polar, with tryptophan, which is neutral and slightly polar, at codon 1788 of the PLEC protein (p.Arg1788Trp). The frequency data for this variant in the population databases is considered unreliable, as metrics indicate poor data quality at this position in the gnomAD database. This variant has not been reported in the literature in individuals affected with PLEC-related conditions. ClinVar contains an entry for this variant (Variation ID: 2053590). Experimental studies and prediction algorithms are not available or were not evaluated, and the functional significance of this variant is currently unknown. In summary, the available evidence is currently insufficient to determine the role of this variant in disease. Therefore, it has been classified as a Variant of Uncertain Significance.

Revvity Omics, Revvity
Classification: Uncertain significance. Last evaluated: 2019-07-27. Review status: criteria provided, single submitter. Criteria: ACMG Guidelines, 2015. Collection method: clinical testing. Allele origin: germline.